The following is an entry in ClinVar:

NM_003070.5(SMARCA2):c.196C>G (p.Pro66Ala)

Gene: SMARCA2 (SWI/SNF related BAF chromatin remodeling complex subunit ATPase 2; plus strand). Cytogenetic location: 9p24.3.
Variant type: single nucleotide variant.
Coding change: c.196C>G on transcript NM_003070.5 (MANE Select); coding-DNA position 196, C replaced by G.
Protein change: p.Pro66Ala; replaces proline 66 with alanine.
Molecular consequence: missense variant.
Genome position (GRCh38, 1-based): chr9:2,029,218, C>G. VCF-style: chr9-2029218-C-G. GRCh37 (hg19) VCF-style: chr9-2029218-C-G.
Other names: c.196C>G, p.Pro66Ala (NM_001289396.2, NM_001289397.2, NM_139045.4); short protein forms P66A.
Identifiers: ClinVar variation 1706204 (VCV001706204.2), dbSNP rs2537193173, ClinGen allele CA372779354.

ClinVar aggregate classification (germline): Uncertain significance (1 of 4 stars; one submission).

Submission:

GeneDx
Classification: Uncertain significance. Last evaluated: 2022-03-14. Review status: criteria provided, single submitter. Criteria: GeneDx Variant Classification Process June 2021. Collection method: clinical testing. Allele origin: germline. Affected: yes.
Comment: Not observed at significant frequency in large population cohorts (gnomAD); In silico analysis supports that this missense variant has a deleterious effect on protein structure/function; Has not been previously published as pathogenic or benign to our knowledge